The following is an entry in ClinVar:

NC_000017.11:g.61457536_61483517del

Genes: TBX4 (T-box transcription factor 4; plus strand), LOC125177526 (Sharpr-MPRA regulatory region 11492; plus strand). Cytogenetic location: 17q23.2.
Variant type: Deletion.
Identifiers: ClinVar variation 4850558 (VCV004850558.2).

ClinVar aggregate classification (germline): Pathogenic/Likely pathogenic. Review status: criteria provided, multiple submitters, no conflicts (2 of 4 stars). 2 submissions from 2 submitters: Pathogenic (1); Likely pathogenic (1). Last evaluated 2026-05-12.

Conditions:
Pulmonary arterial hypertension. Identifiers: Orphanet 182090, MedGen C2973725, MeSH D000081029, MONDO:0015924, HP:0002092.
Coxopodopatellar syndrome. Also called: ISCHIOPATELLAR DYSPLASIA; SCOTT-TAOR SYNDROME; ISCHIOCOXOPODOPATELLAR SYNDROME WITH OR WITHOUT PULMONARY ARTERIAL HYPERTENSION; ISCHIOCOXOPODOPATELLAR SYNDROME; PATELLA APLASIA, COXA VARA, AND TARSAL SYNOSTOSIS; Small patella syndrome. Identifiers: Orphanet 1509, MedGen C1840061, MONDO:0007841, OMIM 147891.

Submissions (2):

Stankiewicz Research Laboratory, Baylor College of Medicine
Classification: Pathogenic for Coxopodopatellar syndrome. Last evaluated: 2026-05-12. Review status: criteria provided, single submitter. Criteria: ACMG Guidelines, 2015. Collection method: research. Allele origin: unknown. Inheritance: Autosomal dominant inheritance. Affected: yes.
Comment: This variant is classified as pathogenic PVS1 (truncating) + PM2 (absent in gnomAD) + PP4 (phenotype highly specific)

Wendy Chung Laboratory, Boston Children's Hospital
Classification: Likely pathogenic for Pulmonary arterial hypertension. Last evaluated: 2026-05-06. Review status: criteria provided, single submitter. Criteria: ACMG Guidelines, 2015. Collection method: research. Allele origin: germline. Inheritance: Autosomal dominant inheritance. Affected: yes. Observed: 1 variant allele, 1 heterozygote.
Comment: TBX4 chr17:61,457,536-61,483,517del is a copy number variant deletion encompassing intron 3 through exon 9 (last exon). Loss of function/multi-exon deletions of TBX4 are a known disease mechanism for PAH (PVS1). No familial segregation data were available. In summary, the variant meets the criteria to be classified as likely pathogenic for pulmonary arterial hypertension based on the ACMG/AMP criteria applied: PVS1, PM2_supporting

Literature cited by the submitters: PubMed 31727138 (cited by Stankiewicz Research Laboratory, Baylor College of Medicine); PubMed 37422716 (cited by Stankiewicz Research Laboratory, Baylor College of Medicine); PubMed 33971972 (cited by Stankiewicz Research Laboratory, Baylor College of Medicine); PubMed 36367783 (cited by Stankiewicz Research Laboratory, Baylor College of Medicine); PubMed 32006592 (cited by Stankiewicz Research Laboratory, Baylor College of Medicine).